The following is an entry in ClinVar:

NM_182493.3(MYLK3):c.1180C>A (p.Pro394Thr)

Gene: MYLK3 (myosin light chain kinase 3; minus strand). Cytogenetic location: 16q11.2.
Variant type: single nucleotide variant.
Coding change: c.1180C>A on transcript NM_182493.3 (MANE Select); coding-DNA position 1180, C replaced by A.
Protein change: p.Pro394Thr; replaces proline 394 with threonine.
Molecular consequence: missense variant.
Genome position (GRCh38, 1-based): chr16:46,732,490, G>T on the plus strand (C>A on the coding strand, the complement: MYLK3 is on the minus strand). VCF-style: chr16-46732490-G-T. GRCh37 (hg19) VCF-style: chr16-46766402-G-T.
Other names: c.157C>A, p.Pro53Thr (NM_001308301.1); short protein forms P53T, P394T.
Identifiers: ClinVar variation 1504769 (VCV001504769.6), dbSNP rs1327805643, ClinGen allele CA395792683.

ClinVar aggregate classification (germline): Uncertain significance (1 of 4 stars; one submission).

Allele frequency attached by ClinVar (database versions not stated): TOPMed 0.00001; gnomAD exomes 0.00003.

Submission:

Labcorp Genetics (formerly Invitae), Labcorp
Classification: Uncertain significance. Last evaluated: 2025-09-23. Review status: criteria provided, single submitter. Criteria: Invitae Variant Classification Sherloc (09022015). Collection method: clinical testing. Allele origin: germline.
Comment: This sequence change replaces proline, which is neutral and non-polar, with threonine, which is neutral and polar, at codon 394 of the MYLK3 protein (p.Pro394Thr). This variant is present in population databases (no rsID available, gnomAD 0.02%). This variant has not been reported in the literature in individuals affected with MYLK3-related conditions. ClinVar contains an entry for this variant (Variation ID: 1504769). An algorithm developed to predict the effect of missense changes on protein structure and function (PolyPhen-2) suggests that this variant is likely to be tolerated. In summary, the available evidence is currently insufficient to determine the role of this variant in disease. Therefore, it has been classified as a Variant of Uncertain Significance.